The following is an entry in ClinVar:

ClinVar aggregate classification (germline): Benign/Likely benign. Review status: criteria provided, multiple submitters, no conflicts (2 of 4 stars). 3 submissions from 3 submitters: Benign (2); Likely benign (1). Last evaluated 2025-12-30.

Conditions:
Orthostatic hypotension 1 (ORTHYP1). Also called: Dopamine beta-hydroxylase deficiency; Orthostatic hypotension 1, due to DBH deficiency; NORADRENALINE DEFICIENCY; NOREPINEPHRINE DEFICIENCY. Identifiers: Orphanet 230, MedGen C4746777, MONDO:0009123, OMIM 223360.

Allele frequency attached by ClinVar (database versions not stated): TOPMed 0.00393; ESP Exome Variant Server 0.00469; 1000 Genomes Project 0.00479; 1000 Genomes Project 30x 0.00515.
gnomAD v4.1: 1,184 of 1,613,742 alleles (0.073%); highest among the groups gnomAD compares: African/African-American, 1.3%; 10 homozygotes.

Submissions (3):

Labcorp Genetics (formerly Invitae), Labcorp
Classification: Benign for Orthostatic hypotension 1. Last evaluated: 2025-12-30. Review status: criteria provided, single submitter. Criteria: Invitae Variant Classification Sherloc (09022015). Collection method: clinical testing. Allele origin: germline.

Blueprint Genetics
Classification: Likely benign. Last evaluated: 2024-08-23. Review status: criteria provided, single submitter. Criteria: ACMG Guidelines, 2015. Collection method: clinical testing. Allele origin: germline.

Illumina Laboratory Services, Illumina
Classification: Benign for Orthostatic hypotension 1. Last evaluated: 2018-01-13. Review status: criteria provided, single submitter. Criteria: ICSL Variant Classification Criteria 13 December 2019. Collection method: clinical testing. Allele origin: germline.
Comment: This variant was observed in the ICSL laboratory as part of a predisposition screen in an ostensibly healthy population. It had not been previously curated by ICSL or reported in the Human Gene Mutation Database (HGMD: prior to June 1st, 2018), and was therefore a candidate for classification through an automated scoring system. Utilizing variant allele frequency, disease prevalence and penetrance estimates, and inheritance mode, an automated score was calculated to assess if this variant is too frequent to cause the disease. Based on the score and internal cut-off values, a variant classified as benign is not then subjected to further curation. The score for this variant resulted in a classification of benign for this disease.

NM_000787.4(DBH):c.1206C>T (p.Ser402=)

Gene: DBH (dopamine beta-hydroxylase; plus strand). Cytogenetic location: 9q34.2.
Variant type: single nucleotide variant.
Coding change: c.1206C>T on transcript NM_000787.4 (MANE Select); coding-DNA position 1206, C replaced by T.
Protein change: p.Ser402=; no amino-acid change (serine 402 retained).
Molecular consequence: synonymous variant.
Genome position (GRCh38, 1-based): chr9:133,651,648, C>T. VCF-style: chr9-133651648-C-T. GRCh37 (hg19) VCF-style: chr9-136516770-C-T.
Identifiers: ClinVar variation 786393 (VCV000786393.15), dbSNP rs143743431, ClinGen allele CA5313381.
Genomic context (GRCh38, chr9:133,651,648, plus strand): 5'-CCCCTCGGGGGTCAGGCCCTGACACTGCAGCCCCCCGACCCCACAGGCACTGCCTCCCTC[C>T]GGGATCCACATCTTCGCCTCTCAGCTCCACACACACCTGACTGGGAGAAAGGTGGTCACA-3'
Protein context (NP_000778.3, residues 392-412): DKCTQLALPP[Ser402=]GIHIFASQLH